The following is an entry in ClinVar:

NM_001377334.1(PIK3C2B):c.1566+8C>G

Gene: PIK3C2B (phosphatidylinositol-4-phosphate 3-kinase catalytic subunit type 2 beta; minus strand). Cytogenetic location: 1q32.1.
Variant type: single nucleotide variant.
Coding change: c.1566+8C>G on transcript NM_001377334.1 (MANE Select); 8 bases into the intron after coding-DNA position 1566, C replaced by G.
Molecular consequence: intron variant.
Genome position (GRCh38, 1-based): chr1:204,459,870, G>C on the plus strand (C>G on the coding strand, the complement: PIK3C2B is on the minus strand). VCF-style: chr1-204459870-G-C. GRCh37 (hg19) VCF-style: chr1-204428998-G-C.
Other names: c.1566+8C>G (NM_001377335.1, NM_002646.4).
Identifiers: ClinVar variation 3060930 (VCV003060930.2), dbSNP rs17847745, ClinGen allele CA1347953.

ClinVar aggregate classification (germline): Benign (0 of 4 stars; one submission).

Conditions:
PIK3C2B-related disorder. Also called: PIK3C2B-related condition.

Allele frequency attached by ClinVar (database versions not stated): ESP Exome Variant Server 0.00877; 1000 Genomes Project 30x 0.03623; 1000 Genomes Project 0.03674.
gnomAD v4.1: 13,553 of 1,611,478 alleles (0.84%); highest among the groups gnomAD compares: East Asian, 11%; 412 homozygotes.

Submission:

PreventionGenetics, part of Exact Sciences
Classification: Benign for PIK3C2B-related condition. Last evaluated: 2024-05-18. Review status: no assertion criteria provided. Collection method: clinical testing. Allele origin: germline.
Comment: This variant is classified as benign based on ACMG/AMP sequence variant interpretation guidelines (Richards et al. 2015 PMID: 25741868, with internal and published modifications).